The following is an entry in ClinVar:

ClinVar aggregate classification (germline): Uncertain significance. Review status: criteria provided, multiple submitters, no conflicts (2 of 4 stars). 2 submissions from 2 submitters: Uncertain significance (2). Last evaluated 2025-03-04.

gnomAD v4.1: 1 of 1,597,042 alleles (0.000063%); highest among the groups gnomAD compares: Non-Finnish European, 0.000085%; no homozygotes.

Submissions (2):

Center for Genomic Medicine, Rigshospitalet, Copenhagen University Hospital
Classification: Uncertain significance. Last evaluated: 2025-03-04. Review status: criteria provided, single submitter. Criteria: ACMG Guidelines, 2015. Collection method: clinical testing. Allele origin: germline.

Labcorp Genetics (formerly Invitae), Labcorp
Classification: Uncertain significance. Last evaluated: 2023-12-14. Review status: criteria provided, single submitter. Criteria: Invitae Variant Classification Sherloc (09022015). Collection method: clinical testing. Allele origin: germline.
Comment: This sequence change replaces alanine, which is neutral and non-polar, with serine, which is neutral and polar, at codon 716 of the POLE protein (p.Ala716Ser). This variant is not present in population databases (gnomAD no frequency). This variant has not been reported in the literature in individuals affected with POLE-related conditions. Advanced modeling of protein sequence and biophysical properties (such as structural, functional, and spatial information, amino acid conservation, physicochemical variation, residue mobility, and thermodynamic stability) performed at Invitae indicates that this missense variant is not expected to disrupt POLE protein function with a negative predictive value of 80%. In summary, the available evidence is currently insufficient to determine the role of this variant in disease. Therefore, it has been classified as a Variant of Uncertain Significance.

NM_006231.4(POLE):c.2146G>T (p.Ala716Ser)

Gene: POLE (DNA polymerase epsilon, catalytic subunit; minus strand). Cytogenetic location: 12q24.33.
Variant type: single nucleotide variant.
Coding change: c.2146G>T on transcript NM_006231.4 (MANE Select); coding-DNA position 2146, G replaced by T.
Protein change: p.Ala716Ser; replaces alanine 716 with serine.
Molecular consequence: missense variant.
Genome position (GRCh38, 1-based): chr12:132,668,383, C>A on the plus strand (G>T on the coding strand, the complement: POLE is on the minus strand). VCF-style: chr12-132668383-C-A. GRCh37 (hg19) VCF-style: chr12-133244969-C-A.
Other names: short protein forms A716S.
Identifiers: ClinVar variation 2692199 (VCV002692199.4), dbSNP rs1379490235, ClinGen allele CA387353658.